The following is an entry in ClinVar:

ClinVar aggregate classification (germline): Uncertain significance. Review status: criteria provided, multiple submitters, no conflicts (2 of 4 stars). 14 submissions from 14 submitters: Uncertain significance (11). 3 of the submissions do not count toward it. Last evaluated 2025-12-03.

Conditions:
Hereditary cancer. Identifiers: MedGen C1333600.
Ataxia-telangiectasia syndrome (AT). Also called: Ataxia telangiectasia (A-T); Cerebello-oculocutaneous telangiectasia; Immunodeficiency with ataxia telangiectasia; Ataxia-telangiectasia, complementation group D; AT, COMPLEMENTATION GROUP C; ATAXIA-TELANGIECTASIA, COMPLEMENTATION GROUP A. Identifiers: Orphanet 100, MedGen C0004135, MONDO:0008840, OMIM 208900.
Familial cancer of breast. Also called: Hereditary breast cancer; BREAST CANCER, FAMILIAL; hereditary breast carcinoma. Identifiers: Orphanet 227535, MedGen C0346153, MONDO:0016419, OMIM 114480. Disease mechanism: loss of function.
Hereditary cancer-predisposing syndrome. Also called: Tumor predisposition; Hereditary neoplastic syndrome; Neoplastic Syndromes, Hereditary; Hereditary Cancer Syndrome. Identifiers: Orphanet 140162, MedGen C0027672, MeSH D009386, MONDO:0015356.

Allele frequency attached by ClinVar (database versions not stated): ExAC 0.00001; gnomAD 0.00001; gnomAD exomes 0.00001.
gnomAD v4.1: 11 of 1,613,850 alleles (0.00068%); highest among the groups gnomAD compares: South Asian, 0.0022%; no homozygotes.

Submissions (14):

Labcorp Genetics (formerly Invitae), Labcorp
Classification: Uncertain significance for Ataxia-telangiectasia syndrome. Last evaluated: 2025-12-03. Review status: criteria provided, single submitter. Criteria: Invitae Variant Classification Sherloc (09022015). Collection method: clinical testing. Allele origin: germline.
Comment: This sequence change replaces arginine, which is basic and polar, with cysteine, which is neutral and slightly polar, at codon 785 of the ATM protein (p.Arg785Cys). This variant is present in population databases (rs587778065, gnomAD 0.006%). This missense change has been observed in individual(s) with ataxia-telangiectasia or breast cancer (PMID: 9887333, 20305132). ClinVar contains an entry for this variant (Variation ID: 133605). Invitae Evidence Modeling of protein sequence and biophysical properties (such as structural, functional, and spatial information, amino acid conservation, physicochemical variation, residue mobility, and thermodynamic stability) indicates that this missense variant is not expected to disrupt ATM protein function with a negative predictive value of 95%. In summary, the available evidence is currently insufficient to determine the role of this variant in disease. Therefore, it has been classified as a Variant of Uncertain Significance.

Ambry Genetics
Classification: Uncertain significance for Hereditary cancer-predisposing syndrome. Last evaluated: 2025-09-24. Review status: criteria provided, single submitter. Criteria: Ambry Variant Classification Scheme 2023. Collection method: clinical testing. Allele origin: germline.
Comment: The p.R785C variant (also known as c.2353C>T), located in coding exon 14 of the ATM gene, results from a C to T substitution at nucleotide position 2353. The arginine at codon 785 is replaced by cysteine, an amino acid with highly dissimilar properties. This alteration was identified in the heterozygous state in an individual with ataxia telangiectasia; a second alteration was not identified (Sandoval N et al. Hum. Mol. Genet. 1999 Jan;8(1):69-79). This amino acid position is poorly conserved in available vertebrate species. In addition, the in silico prediction for this alteration is inconclusive. Based on the available evidence, the clinical significance of this variant remains unclear.

Mendelics
Classification: Uncertain significance for Hereditary cancer. Last evaluated: 2025-06-23. Review status: criteria provided, single submitter. Criteria: ACMG Guidelines, 2015. Collection method: clinical testing. Allele origin: unknown.
Comment: The available evidence is insufficient to conclusively determine the role of this variant. Therefore, it is classified as a Variant of Uncertain Significance.

Color Diagnostics, LLC DBA Color Health
Classification: Uncertain significance for Hereditary cancer-predisposing syndrome. Last evaluated: 2025-04-08. Review status: criteria provided, single submitter. Criteria: ACMG Guidelines, 2015. Collection method: clinical testing. Allele origin: germline.
Comment: This missense variant replaces arginine with cysteine at codon 785 of the ATM protein. Computational prediction suggests that this variant may not impact protein structure and function. To our knowledge, functional studies have not been reported for this variant. This variant has been reported in the heterozygous state in an individual affected with ataxia telangiectasia (PMID: 9887333). This variant has been detected in a breast cancer case-control meta-analysis in 0/60466 cases and 2/53461 unaffected individuals (PMID: 33471991; Leiden Open Variation Database DB-ID ATM_000092). This variant has also been identified in 3/251292 chromosomes in the general population by the Genome Aggregation Database (gnomAD). The available evidence is insufficient to determine the role of this variant in disease conclusively. Therefore, this variant is classified as a Variant of Uncertain Significance.

Quest Diagnostics Nichols Institute San Juan Capistrano
Classification: Uncertain significance. Last evaluated: 2024-11-15. Review status: criteria provided, single submitter. Criteria: Quest Diagnostics criteria. Collection method: clinical testing. Allele origin: unknown.
Comment: The ATM c.2353C>T (p.Arg785Cys) variant has been reported in individuals with Ataxia telangiectasia (AT) (PMID: 9887333 (1999)), acute pancreatitis (PMID: 35171259 (2022)), and breast cancer (PMID: 20305132 (2010)). This variant has also been identified in reportedly healthy individuals (PMID: 24728327 (2014), 33471991 (2021), see also LOVD). The frequency of this variant in the general population, 0.000012 (3/251292 chromosomes (Genome Aggregation Database)), is uninformative in the assessment of its pathogenicity. Analysis of this variant using bioinformatics tools for the prediction of the effect of amino acid changes on protein structure and function yielded conflicting predictions that this variant is deleterious or benign. Based on the available information, we are unable to determine the clinical significance of this variant.

Fulgent Genetics
Classification: Uncertain significance for Familial cancer of breast; Ataxia-telangiectasia syndrome. Last evaluated: 2024-02-16. Review status: criteria provided, single submitter. Criteria: ACMG Guidelines, 2015. Collection method: clinical testing. Allele origin: germline.

Blueprint Genetics
Classification: Uncertain significance. Last evaluated: 2023-11-24. Review status: criteria provided, single submitter. Criteria: ACMG Guidelines, 2015. Collection method: clinical testing. Allele origin: germline.

Baylor Genetics
Classification: Uncertain significance for Familial cancer of breast. Last evaluated: 2023-11-16. Review status: criteria provided, single submitter. Criteria: ACMG Guidelines, 2015. Collection method: clinical testing. Allele origin: unknown.

Women's Health and Genetics/Laboratory Corporation of America, LabCorp
Classification: Uncertain significance. Last evaluated: 2023-09-12. Review status: criteria provided, single submitter. Criteria: LabCorp Variant Classification Summary - May 2015. Collection method: clinical testing. Allele origin: germline.
Comment: Variant summary: ATM c.2353C>T (p.Arg785Cys) results in a non-conservative amino acid change in the encoded protein sequence. Three of five in-silico tools predict a benign effect of the variant on protein function. The variant allele was found at a frequency of 1.2e-05 in 251292 control chromosomes. The available data on variant occurrences in the general population are insufficient to allow any conclusion about variant significance. c.2353C>T has been reported in the literature in individuals affected with Ataxia Telangiectasia, Breast Cancer,and Acute Pancreatitis (example, Sandoval_1999, Yin_2022, Bernstein_2010), without strong evidence of causality. This variant has also been reported in unaffected control cohorts from large case-control studies of Breast cancer (PMID: 33471991, 24728327). These report(s) do not provide unequivocal conclusions about association of the variant with Ataxia-Telangiectasia or Breast Cancer. To our knowledge, no experimental evidence demonstrating an impact on protein function has been reported. The following publications have been ascertained in the context of this evaluation (PMID: 20305132, 9887333, 35171259). Seven submitters have cited clinical-significance assessments for this variant to ClinVar after 2014. All submitters classified the variant as uncertain significance. Based on the evidence outlined above, the variant was classified as uncertain significance.

GeneDx
Classification: Uncertain significance. Last evaluated: 2022-08-03. Review status: criteria provided, single submitter. Criteria: GeneDx Variant Classification Process June 2021. Collection method: clinical testing. Allele origin: germline. Affected: yes.
Comment: In silico analysis, which includes protein predictors and evolutionary conservation, supports that this variant does not alter protein structure/function; Observed in an individual with ataxia telangiectasia without a second ATM variant and in an individual with stomach cancer (Sandoval et al., 1999; Lu et al., 2015); This variant is associated with the following publications: (PMID: 22529920, 24728327, 27304073, 26689913, 9887333)

Genome-Nilou Lab
Classification: Uncertain significance for Ataxia-telangiectasia syndrome. Last evaluated: 2021-07-14. Review status: criteria provided, single submitter. Criteria: ACMG Guidelines, 2015. Collection method: clinical testing. Allele origin: germline. Affected: no.

Natera, Inc.
Classification: Uncertain significance for Ataxia-telangiectasia. Last evaluated: 2020-09-16. Review status: no assertion criteria provided. Collection method: clinical testing. Allele origin: germline. Not counted in ClinVar's aggregate classification.

Counsyl
Classification: Uncertain significance for Ataxia-telangiectasia syndrome. Last evaluated: 2016-12-22. Review status: no assertion criteria provided. Collection method: clinical testing. Allele origin: unknown. Not counted in ClinVar's aggregate classification.

ITMI
No classification provided. Condition: AllHighlyPenetrant. Last evaluated: 2013-09-19. Review status: no classification provided. Collection method: reference population. Allele origin: germline. Not counted in ClinVar's aggregate classification.
Comment: Please see associated publication for description of ethnicities

Literature cited by the submitters: PubMed 9887333 (cited by 6 submitters); PubMed 20305132 (cited by 3 submitters); PubMed 33471991 (cited by Color Diagnostics, LLC DBA Color Health and Quest Diagnostics Nichols Institute San Juan Capistrano); PubMed 35171259 (cited by Quest Diagnostics Nichols Institute San Juan Capistrano and Women's Health and Genetics/Laboratory Corporation of America, LabCorp); PubMed 24728327 (cited by 3 submitters); PubMed 22529920 (cited by Counsyl).

NM_000051.4(ATM):c.2353C>T (p.Arg785Cys)

Gene: ATM (ATM serine/threonine kinase; plus strand). Cytogenetic location: 11q22.3.
Variant type: single nucleotide variant.
Coding change: c.2353C>T on transcript NM_000051.4 (MANE Select); coding-DNA position 2353, C replaced by T.
Protein change: p.Arg785Cys; replaces arginine 785 with cysteine.
Molecular consequence: missense variant.
Genome position (GRCh38, 1-based): chr11:108,257,583, C>T. VCF-style: chr11-108257583-C-T. GRCh37 (hg19) VCF-style: chr11-108128310-C-T.
Other names: c.2353C>T, p.Arg785Cys (NM_001351834.2); short protein forms R785C.
Identifiers: ClinVar variation 133605 (VCV000133605.33), dbSNP rs587778065, ClinGen allele CA157071.